The following is an entry in ClinVar:

ClinVar aggregate classification (germline): Uncertain significance (1 of 4 stars; one submission).

Conditions:
Developmental and epileptic encephalopathy 92. Also called: EPILEPTIC ENCEPHALOPATHY, INFANTILE OR EARLY CHILDHOOD, 2. Identifiers: MedGen C4693362, MONDO:0020631, OMIM 617829.

Submission:

3billion
Classification: Uncertain significance for Developmental and epileptic encephalopathy 92. Last evaluated: 2025-05-16. Review status: criteria provided, single submitter. Criteria: ACMG Guidelines, 2015. Collection method: clinical testing. Allele origin: germline. Affected: yes.
Comment: The variant is not observed in the gnomAD v4.1.0 dataset. Predicted Consequence/Location: Missense variant. Missense changes are a common disease-causing mechanism. In silico tool predictions suggest damaging effect of the variant on gene or gene product [REVEL: 0.80 (>=0.6, sensitivity 0.68 and specificity 0.92); 3Cnet: 0.90 (> 0.75, sensitivity 0.96 and precision 0.92)]. A different missense change at the same codon (p.Leu277Ser) has been reported to be associated with GABRB2-related disorder (ClinVar ID: VCV000487683 /PMID: 29100083). Therefore, this variant is classified as VUS according to the recommendation of ACMG/AMP guideline.

Literature cited by the submitters: PubMed 29100083.

NM_001371727.1(GABRB2):c.831A>T (p.Leu277Phe)

Gene: GABRB2 (gamma-aminobutyric acid type A receptor subunit beta2; minus strand). Cytogenetic location: 5q34.
Variant type: single nucleotide variant.
Coding change: c.831A>T on transcript NM_001371727.1 (MANE Select); coding-DNA position 831, A replaced by T.
Protein change: p.Leu277Phe; replaces leucine 277 with phenylalanine.
Molecular consequence: missense variant.
Genome position (GRCh38, 1-based): chr5:161,334,753, T>A on the plus strand (A>T on the coding strand, the complement: GABRB2 is on the minus strand). VCF-style: chr5-161334753-T-A. GRCh37 (hg19) VCF-style: chr5-160761760-T-A.
Other names: c.831A>T, p.Leu277Phe (NM_000813.3, NM_021911.3); short protein forms L277F.
Identifiers: ClinVar variation 4854231 (VCV004854231.1).
Genomic context (GRCh38, chr5:161,334,753, plus strand): 5'-GCGAACACAGAAATGTACACACAGAGTCAAAATCCACAAGCAGTAATAAAATGGCCTACC[T>A]AATGCCACCCTTGCAGCTGAAGCATCGTAATTAATCCAGAAGGAGACCCAGGAGAGGATG-3'
Protein context (NP_001358656.1, residues 267-287): NYDASAARVA[Leu277Phe]GITTVLTMTT